The following is an entry in ClinVar:

NM_170707.4(LMNA):c.639+6G>A

Gene: LMNA (lamin A/C; plus strand). Cytogenetic location: 1q22.
Variant type: single nucleotide variant.
Coding change: c.639+6G>A on transcript NM_170707.4 (MANE Select); 6 bases into the intron after coding-DNA position 639, G replaced by A.
Molecular consequence: intron variant.
Genome position (GRCh38, 1-based): chr1:156,134,534, G>A. VCF-style: chr1-156134534-G-A. GRCh37 (hg19) VCF-style: chr1-156104325-G-A.
Other names: c.639+6G>A (NM_001406983.1, NM_001282625.2, NM_001406984.1 and 6 more transcripts); c.81+6G>A (NM_001407002.1, NM_001406993.1, NM_001407003.1 and 4 more transcripts); c.-26+6G>A (NM_001406999.1, NM_001407000.1, NM_001406994.1 and 1 more transcripts); c.396+6G>A (NM_001406986.1, NM_001406987.1, NM_001282624.2); c.303+6G>A (NM_001406989.1, NM_001257374.3, NM_001406998.1); c.342+6G>A (NM_001406988.1).
Identifiers: ClinVar variation 2866353 (VCV002866353.3), dbSNP rs1343602810, ClinGen allele CA2648348362.

ClinVar aggregate classification (germline): Uncertain significance (1 of 4 stars; one submission).

Conditions:
Charcot-Marie-Tooth disease type 2. Also called: Charcot-Marie-Tooth type 2. Identifiers: Orphanet 64746, MedGen C0270914, MONDO:0018993.

gnomAD v4.1: 1 of 1,613,832 alleles (0.000062%); highest among the groups gnomAD compares: East Asian, 0.0022%; no homozygotes.

Submission:

Labcorp Genetics (formerly Invitae), Labcorp
Classification: Uncertain significance for Charcot-Marie-Tooth disease type 2. Last evaluated: 2023-05-20. Review status: criteria provided, single submitter. Criteria: Invitae Variant Classification Sherloc (09022015). Collection method: clinical testing. Allele origin: germline.
Comment: This variant has not been reported in the literature in individuals affected with LMNA-related conditions. In summary, the available evidence is currently insufficient to determine the role of this variant in disease. Therefore, it has been classified as a Variant of Uncertain Significance. Variants that disrupt the consensus splice site are a relatively common cause of aberrant splicing (PMID: 17576681, 9536098). Algorithms developed to predict the effect of sequence changes on RNA splicing suggest that this variant is not likely to affect RNA splicing. This variant is not present in population databases (gnomAD no frequency). This sequence change falls in intron 3 of the LMNA gene. It does not directly change the encoded amino acid sequence of the LMNA protein. It affects a nucleotide within the consensus splice site.

Literature cited by the submitters: PubMed 17576681; PubMed 9536098.